The following is an entry in ClinVar:

NM_138691.3(TMC1):c.1465G>A (p.Ala489Thr)

Gene: TMC1 (transmembrane channel like 1; plus strand). Cytogenetic location: 9q21.13.
Variant type: single nucleotide variant.
Coding change: c.1465G>A on transcript NM_138691.3 (MANE Select); coding-DNA position 1465, G replaced by A.
Protein change: p.Ala489Thr; replaces alanine 489 with threonine.
Molecular consequence: missense variant.
Genome position (GRCh38, 1-based): chr9:72,792,251, G>A. VCF-style: chr9-72792251-G-A. GRCh37 (hg19) VCF-style: chr9-75407167-G-A.
Other names: short protein forms A489T.
Identifiers: ClinVar variation 3371959 (VCV003371959.1).

ClinVar aggregate classification (germline): Uncertain significance (1 of 4 stars; one submission).

Submission:

GeneDx
Classification: Uncertain significance. Last evaluated: 2024-04-09. Review status: criteria provided, single submitter. Criteria: GeneDx Variant Classification Process June 2021. Collection method: clinical testing. Allele origin: germline. Affected: yes.
Comment: Not observed at significant frequency in large population cohorts (gnomAD); In silico analysis indicates that this missense variant does not alter protein structure/function; Has not been previously published as pathogenic or benign to our knowledge